The following is an entry in ClinVar:

ClinVar aggregate classification (germline): Uncertain significance. Review status: criteria provided, multiple submitters, no conflicts (2 of 4 stars). 2 submissions from 2 submitters: Uncertain significance (2). Last evaluated 2025-08-29.

Conditions:
Hereditary cancer-predisposing syndrome. Also called: Tumor predisposition; Hereditary Cancer Syndrome; Neoplastic Syndromes, Hereditary; Hereditary neoplastic syndrome. Identifiers: Orphanet 140162, MedGen C0027672, MeSH D009386, MONDO:0015356.
Tuberous sclerosis 2 (TSC2). Identifiers: Orphanet 805, MedGen C1860707, MONDO:0013199, OMIM 613254.

Submissions (2):

Labcorp Genetics (formerly Invitae), Labcorp
Classification: Uncertain significance for Tuberous sclerosis 2. Last evaluated: 2025-08-29. Review status: criteria provided, single submitter. Criteria: Invitae Variant Classification Sherloc (09022015). Collection method: clinical testing. Allele origin: germline.
Comment: This sequence change replaces valine, which is neutral and non-polar, with alanine, which is neutral and non-polar, at codon 101 of the TSC2 protein (p.Val101Ala). This variant is not present in population databases (gnomAD no frequency). This variant has not been reported in the literature in individuals affected with TSC2-related conditions. ClinVar contains an entry for this variant (Variation ID: 1015478). Invitae Evidence Modeling of protein sequence and biophysical properties (such as structural, functional, and spatial information, amino acid conservation, physicochemical variation, residue mobility, and thermodynamic stability) indicates that this missense variant is not expected to disrupt TSC2 protein function with a negative predictive value of 95%. In summary, the available evidence is currently insufficient to determine the role of this variant in disease. Therefore, it has been classified as a Variant of Uncertain Significance.

Ambry Genetics
Classification: Uncertain significance for Hereditary cancer-predisposing syndrome. Last evaluated: 2022-07-05. Review status: criteria provided, single submitter. Criteria: Ambry Variant Classification Scheme 2023. Collection method: clinical testing. Allele origin: germline.
Comment: The p.V101A variant (also known as c.302T>C), located in coding exon 3 of the TSC2 gene, results from a T to C substitution at nucleotide position 302. The valine at codon 101 is replaced by alanine, an amino acid with similar properties. This amino acid position is conserved. In addition, the in silico prediction for this alteration is inconclusive. Since supporting evidence is limited at this time, the clinical significance of this alteration remains unclear.

NM_000548.5(TSC2):c.302T>C (p.Val101Ala)

Gene: TSC2 (TSC complex subunit 2; plus strand). Cytogenetic location: 16p13.3.
Variant type: single nucleotide variant.
Coding change: c.302T>C on transcript NM_000548.5 (MANE Select); coding-DNA position 302, T replaced by C.
Protein change: p.Val101Ala; replaces valine 101 with alanine.
Molecular consequence: missense variant. On other transcripts: intron variant (2).
Genome position (GRCh38, 1-based): chr16:2,053,418, T>C. VCF-style: chr16-2053418-T-C. GRCh37 (hg19) VCF-style: chr16-2103419-T-C.
Other names: c.302T>C, p.Val101Ala (NM_001077183.3, NM_001114382.3, NM_001363528.2 and 3 more transcripts); c.155T>C, p.Val52Ala (NM_001318829.2); c.335T>C, p.Val112Ala (NM_001318832.2); c.226-878T>C (NM_001318827.2); c.-1-2778T>C (NM_001318831.2); short protein forms V101A, V112A, V52A.
Identifiers: ClinVar variation 1015478 (VCV001015478.11), dbSNP rs2085372909, ClinGen allele CA394305865.